The following is an entry in ClinVar:

NM_005633.4(SOS1):c.3189T>C (p.Ile1063=)

Gene: SOS1 (SOS Ras/Rac guanine nucleotide exchange factor 1; minus strand). Cytogenetic location: 2p22.1.
Variant type: single nucleotide variant.
Coding change: c.3189T>C on transcript NM_005633.4 (MANE Select); coding-DNA position 3189, T replaced by C.
Protein change: p.Ile1063=; no amino-acid change (isoleucine 1063 retained).
Molecular consequence: synonymous variant.
Genome position (GRCh38, 1-based): chr2:38,995,280, A>G on the plus strand (T>C on the coding strand, the complement: SOS1 is on the minus strand). VCF-style: chr2-38995280-A-G. GRCh37 (hg19) VCF-style: chr2-39222421-A-G.
Other names: c.3168T>C, p.Ile1056= (NM_001382394.1); c.3189T>C, p.Ile1063= (NM_001382395.1).
Identifiers: ClinVar variation 561791 (VCV000561791.7), dbSNP rs576812416, ClinGen allele CA1624244.
Genomic context (GRCh38, chr2:38,995,280, plus strand): 5'-TGGAGAATTTGGTGCAGATGCTGTACTTTCTGTTTCACTTTCAGGGATCCTACTATAACT[A>G]ATTTTCCTTGGCTCCTGCTGCAGAGGTGTGGGATGCCTCATGGTACCTGGTCTTGGGTTT-3'
Protein context (NP_005624.2, residues 1053-1073): PTPLQQEPRK[Ile1063=]SYSRIPESET

ClinVar aggregate classification (germline): Likely benign. Review status: criteria provided, multiple submitters, no conflicts (2 of 4 stars). 5 submissions from 5 submitters: Likely benign (5). Last evaluated 2025-09-04.

Conditions:
Cardiovascular phenotype. Identifiers: MedGen CN230736.
RASopathy. Also called: Noonan spectrum disorder; rasopathies. Identifiers: Orphanet 536391, MedGen C5555857, MONDO:0021060.

Allele frequency attached by ClinVar (database versions not stated): gnomAD exomes below 0.00001 and 0.00001; gnomAD 0.00001; ExAC 0.00002; TOPMed 0.00002; 1000 Genomes Project 30x 0.00016; 1000 Genomes Project 0.00020.
gnomAD v4.1: 7 of 1,613,954 alleles (0.00043%); highest among the groups gnomAD compares: Non-Finnish European, 0.00051%; no homozygotes.

Submissions (5):

Ambry Genetics
Classification: Likely benign for Cardiovascular phenotype. Last evaluated: 2025-09-04. Review status: criteria provided, single submitter. Criteria: Ambry Variant Classification Scheme 2023. Collection method: clinical testing. Allele origin: germline.

Women's Health and Genetics/Laboratory Corporation of America, LabCorp
Classification: Likely benign. Last evaluated: 2024-06-17. Review status: criteria provided, single submitter. Criteria: LabCorp Variant Classification Summary - May 2015. Collection method: clinical testing. Allele origin: germline.

Labcorp Genetics (formerly Invitae), Labcorp
Classification: Likely benign for RASopathy. Last evaluated: 2023-03-19. Review status: criteria provided, single submitter. Criteria: Invitae Variant Classification Sherloc (09022015). Collection method: clinical testing. Allele origin: germline.

Blueprint Genetics
Classification: Likely benign. Last evaluated: 2023-03-17. Review status: criteria provided, single submitter. Criteria: ACMG Guidelines, 2015. Collection method: clinical testing. Allele origin: germline.

GeneDx
Classification: Likely benign. Last evaluated: 2018-04-23. Review status: criteria provided, single submitter. Criteria: GeneDx Variant Classification (06012015). Collection method: clinical testing. Allele origin: germline. Affected: yes.
Comment: This variant is considered likely benign or benign based on one or more of the following criteria: it is a conservative change, it occurs at a poorly conserved position in the protein, it is predicted to be benign by multiple in silico algorithms, and/or has population frequency not consistent with disease.